The following is an entry in ClinVar:

NM_004531.5(MOCS2):c.*2651G>T

Gene: MOCS2 (molybdenum cofactor synthesis 2; minus strand). Cytogenetic location: 5q11.2.
Variant type: single nucleotide variant.
Coding change: c.*2651G>T on transcript NM_004531.5 (MANE Select); 2651 bases downstream of the stop codon, G replaced by T.
Molecular consequence: 3 prime UTR variant.
Genome position (GRCh38, 1-based): chr5:53,095,951, C>A on the plus strand (G>T on the coding strand, the complement: MOCS2 is on the minus strand). VCF-style: chr5-53095951-C-A. GRCh37 (hg19) VCF-style: chr5-52391781-C-A.
Other names: c.*3138G>T (NM_176806.4).
Identifiers: ClinVar variation 907144 (VCV000907144.4), dbSNP rs150871292, ClinGen allele CA118882735.

ClinVar aggregate classification (germline): Benign (1 of 4 stars; one submission).

Conditions:
Sulfite oxidase deficiency due to molybdenum cofactor deficiency type B1 (MOCODB1). Also called: Molybdenum cofactor deficiency B; Molybdenum cofactor deficiency, complementation group B; MOLYBDENUM COFACTOR DEFICIENCY, TYPE B1; Sulfite oxidase deficiency due to molybdenum cofactor deficiency type B. Identifiers: Orphanet 308393, Orphanet 833, MedGen C6065887, MONDO:0009644, OMIM 252160.

Allele frequency attached by ClinVar (database versions not stated): gnomAD 0.00506 and 0.00509; 1000 Genomes Project 0.00699; 1000 Genomes Project 30x 0.00781; TOPMed 0.01059.

Submission:

Illumina Laboratory Services, Illumina
Classification: Benign for Sulfite oxidase deficiency due to molybdenum cofactor deficiency type B1. Last evaluated: 2018-01-13. Review status: criteria provided, single submitter. Criteria: ICSL Variant Classification Criteria 13 December 2019. Collection method: clinical testing. Allele origin: germline.
Comment: This variant was observed in the ICSL laboratory as part of a predisposition screen in an ostensibly healthy population. It had not been previously curated by ICSL or reported in the Human Gene Mutation Database (HGMD: prior to June 1st, 2018), and was therefore a candidate for classification through an automated scoring system. Utilizing variant allele frequency, disease prevalence and penetrance estimates, and inheritance mode, an automated score was calculated to assess if this variant is too frequent to cause the disease. Based on the score and internal cut-off values, a variant classified as benign is not then subjected to further curation. The score for this variant resulted in a classification of benign for this disease.